The following is an entry in ClinVar:

ClinVar aggregate classification (germline): Uncertain significance. Review status: criteria provided, single submitter (1 of 4 stars). 2 submissions from 2 submitters: Uncertain significance (1). 1 of the submissions does not count toward it. Last evaluated 2023-11-14.

Conditions:
GPRASP2-related disorder. Also called: GPRASP2-related condition.

Allele frequency attached by ClinVar (database versions not stated): gnomAD exomes 0.00001; gnomAD 0.00003; ExAC 0.00006; TOPMed 0.00007; 1000 Genomes Project 30x 0.00021; 1000 Genomes Project 0.00026.
gnomAD v4.1: 18 of 1,089,551 alleles (0.0017%); highest among the groups gnomAD compares: Admixed American, 0.023%; no homozygotes.

Submissions (2):

Ambry Genetics
Classification: Uncertain significance. Last evaluated: 2023-11-14. Review status: criteria provided, single submitter. Criteria: Ambry Variant Classification Scheme 2023. Collection method: clinical testing. Allele origin: germline.

PreventionGenetics, part of Exact Sciences
Classification: Likely benign for GPRASP2-related condition. Last evaluated: 2024-09-12. Review status: no assertion criteria provided. Collection method: clinical testing. Allele origin: germline. Not counted in ClinVar's aggregate classification.
Comment: This variant is classified as likely benign based on ACMG/AMP sequence variant interpretation guidelines (Richards et al. 2015 PMID: 25741868, with internal and published modifications).

NM_001004051.4(GPRASP2):c.2420C>T (p.Pro807Leu)

Genes: ARMCX5-GPRASP2 (ARMCX5-GPRASP2 readthrough; plus strand), GPRASP2 (G protein-coupled receptor associated sorting protein 2; plus strand). Cytogenetic location: Xq22.1.
Variant type: single nucleotide variant.
Coding change: c.2420C>T on transcript NM_001004051.4 (MANE Select); coding-DNA position 2420, C replaced by T.
Protein change: p.Pro807Leu; replaces proline 807 with leucine.
Molecular consequence: missense variant. On other transcripts: intron variant (3).
Genome position (GRCh38, 1-based): chrX:102,717,289, C>T. VCF-style: chrX-102717289-C-T. GRCh37 (hg19) VCF-style: chrX-101972217-C-T.
Other names: c.2420C>T, p.Pro807Leu (NM_001199818.1, NM_001184874.3, NM_001184875.3 and 2 more transcripts); c.-820+3023C>T (NM_001350268.2); c.-752+3023C>T (NM_001350269.2); c.-721+3023C>T (NM_001350270.1); c.2420C>T (NM_138437.5); short protein forms P807L.
Identifiers: ClinVar variation 3101928 (VCV003101928.2), dbSNP rs186673137, ClinGen allele CA10476660.